The following is an entry in ClinVar:

NM_001009944.3(PKD1):c.5583C>T (p.Thr1861=)

Gene: PKD1 (polycystin 1, transient receptor potential channel interacting; minus strand). Cytogenetic location: 16p13.3.
Variant type: single nucleotide variant.
Coding change: c.5583C>T on transcript NM_001009944.3 (MANE Select); coding-DNA position 5583, C replaced by T.
Protein change: p.Thr1861=; no amino-acid change (threonine 1861 retained).
Molecular consequence: synonymous variant.
Genome position (GRCh38, 1-based): chr16:2,109,584, G>A on the plus strand (C>T on the coding strand, the complement: PKD1 is on the minus strand). VCF-style: chr16-2109584-G-A. GRCh37 (hg19) VCF-style: chr16-2159585-G-A.
Other names: c.5583C>T, p.Thr1861= (NM_000296.4).
Identifiers: ClinVar variation 3389422 (VCV003389422.14).
Genomic context (GRCh38, chr16:2,109,584, plus strand): 5'-GAGGTTGTACGTGGCTGAGACCCAGCTGACTGCGTTGGAGGCATTGAGCCGGATGGAGAA[G>A]GTGCCAGCATCCGGGAAGACCATGGTGACATGAGGGCCACGCTTGCTGCTGCCGCCGGGC-3'
Protein context (NP_001009944.3, residues 1851-1871): HVTMVFPDAG[Thr1861=]FSIRLNASNA

ClinVar aggregate classification (germline): Likely benign (1 of 4 stars; one submission).

gnomAD v4.1: 11 of 1,611,732 alleles (0.00068%); highest among the groups gnomAD compares: East Asian, 0.0045%; no homozygotes.

Submission:

CeGaT Center for Human Genetics Tuebingen
Classification: Likely benign. Last evaluated: 2024-11-01. Review status: criteria provided, single submitter. Criteria: CeGaT Center For Human Genetics Tuebingen Variant Classification Criteria Version 2. Collection method: clinical testing. Allele origin: germline. Affected: yes. Observed: 1 variant allele.
Comment: PKD1: BP4, BP7